The following is an entry in ClinVar:

NC_000007.14:g.(?_120788592)_(120788897_?)dup

Gene: TSPAN12 (tetraspanin 12; minus strand). Cytogenetic location: 7q31.31.
Variant type: Duplication.
Identifiers: ClinVar variation 831047 (VCV000831047.2).

ClinVar aggregate classification (germline): Uncertain significance (1 of 4 stars; one submission).

Submission:

Labcorp Genetics (formerly Invitae), Labcorp
Classification: Uncertain significance. Last evaluated: 2019-11-01. Review status: criteria provided, single submitter. Criteria: Invitae Variant Classification Sherloc (09022015). Collection method: clinical testing. Allele origin: germline.
Comment: This variant results in a copy number gain of the genomic region encompassing exon 8 of the TSPAN12 gene. The 5' boundary is likely confined to intron 7. The 3' end of this event is unknown as it extends beyond the assayed region for this gene and therefore may encompass additional genes. As the precise location of this event is unknown, it may be in tandem or it may be located elsewhere in the genome. This variant has not been reported in the literature in individuals with TSPAN12-related conditions. Experimental studies and prediction algorithms are not available or were not evaluated, and the functional significance of this variant is currently unknown. In summary, the available evidence is currently insufficient to determine the role of this variant in disease. Therefore, it has been classified as a Variant of Uncertain Significance.